The following is an entry in ClinVar:

ClinVar aggregate classification (germline): Benign/Likely benign. Review status: criteria provided, multiple submitters, no conflicts (2 of 4 stars). 5 submissions from 5 submitters: Benign (1); Likely benign (3). 1 of the submissions does not count toward it. Last evaluated 2026-04-10.

Conditions:
CYP17A1-related disorder. Also called: CYP17A1-related condition.
Deficiency of steroid 17-alpha-monooxygenase. Also called: ADRENAL HYPERPLASIA V; 17-alpha-hydroxylase/17,20-lyase deficiency; 17-ALPHA-HYDROXYLASE DEFICIENCY; Congenital adrenal hyperplasia due to 17-alpha-hydroxylase deficiency; Congenital adrenal hyperplasia type 5. Identifiers: Orphanet 90793, MedGen C0268285, MONDO:0008730, OMIM 202110.

Allele frequency attached by ClinVar (database versions not stated): ESP Exome Variant Server 0.00008; TOPMed 0.00010; gnomAD 0.00023; 1000 Genomes Project 0.00060; 1000 Genomes Project 30x 0.00094.
gnomAD v4.1: 71 of 1,600,214 alleles (0.0044%); highest among the groups gnomAD compares: African/African-American, 0.076%; no homozygotes.

Submissions (5):

PreventionGenetics, part of Exact Sciences
Classification: Benign for CYP17A1-related condition. Last evaluated: 2026-04-10. Review status: criteria provided, single submitter. Criteria: ACMG Guidelines, 2015. Collection method: clinical testing. Allele origin: germline.
Comment: This variant is classified as benign based on ACMG/AMP sequence variant interpretation guidelines (Richards et al. 2015 PMID: 25741868, with internal and published modifications).

Labcorp Genetics (formerly Invitae), Labcorp
Classification: Likely benign. Last evaluated: 2025-11-18. Review status: criteria provided, single submitter. Criteria: Invitae Variant Classification Sherloc (09022015). Collection method: clinical testing. Allele origin: germline.

Blueprint Genetics
Classification: Likely benign. Last evaluated: 2024-08-08. Review status: criteria provided, single submitter. Criteria: ACMG Guidelines, 2015. Collection method: clinical testing. Allele origin: germline.

Fulgent Genetics
Classification: Likely benign for Deficiency of steroid 17-alpha-monooxygenase. Last evaluated: 2021-07-08. Review status: criteria provided, single submitter. Criteria: ACMG Guidelines, 2015. Collection method: clinical testing. Allele origin: unknown.

Natera, Inc.
Classification: Uncertain significance for Deficiency of steroid 17-alpha-monooxygenase. Last evaluated: 2020-01-24. Review status: no assertion criteria provided. Collection method: clinical testing. Allele origin: germline. Not counted in ClinVar's aggregate classification.

NM_000102.4(CYP17A1):c.1458C>T (p.Ile486=)

Gene: CYP17A1 (cytochrome P450 family 17 subfamily A member 1; minus strand). Cytogenetic location: 10q24.32.
Variant type: single nucleotide variant.
Coding change: c.1458C>T on transcript NM_000102.4 (MANE Select); coding-DNA position 1458, C replaced by T.
Protein change: p.Ile486=; no amino-acid change (isoleucine 486 retained).
Molecular consequence: synonymous variant.
Genome position (GRCh38, 1-based): chr10:102,830,771, G>A on the plus strand (C>T on the coding strand, the complement: CYP17A1 is on the minus strand). VCF-style: chr10-102830771-G-A. GRCh37 (hg19) VCF-style: chr10-104590528-G-A.
Identifiers: ClinVar variation 755651 (VCV000755651.15), dbSNP rs147557447, ClinGen allele CA5669317.